The following is an entry in ClinVar:

NM_004168.4(SDHA):c.1787A>G (p.Asp596Gly)

Gene: SDHA (succinate dehydrogenase complex flavoprotein subunit A; plus strand). Cytogenetic location: 5p15.33.
Variant type: single nucleotide variant.
Coding change: c.1787A>G on transcript NM_004168.4 (MANE Select); coding-DNA position 1787, A replaced by G.
Protein change: p.Asp596Gly; replaces aspartic acid 596 with glycine.
Molecular consequence: missense variant. On other transcripts: intron variant (1).
Genome position (GRCh38, 1-based): chr5:251,461, A>G. VCF-style: chr5-251461-A-G. GRCh37 (hg19) VCF-style: chr5-251576-A-G.
Other names: c.1643A>G, p.Asp548Gly (NM_001294332.2); c.1552-2932A>G (NM_001330758.2); short protein forms D596G, D548G.
Identifiers: ClinVar variation 472358 (VCV000472358.34), dbSNP rs1126557, ClinGen allele CA3173359.

ClinVar aggregate classification (germline): Uncertain significance. Review status: criteria provided, multiple submitters, no conflicts (2 of 4 stars). 9 submissions from 9 submitters: Uncertain significance (8). 1 of the submissions does not count toward it. Last evaluated 2025-11-18.

Conditions:
Hereditary cancer-predisposing syndrome. Also called: Neoplastic Syndromes, Hereditary; Hereditary Cancer Syndrome; Hereditary neoplastic syndrome; Tumor predisposition. Identifiers: Orphanet 140162, MedGen C0027672, MeSH D009386, MONDO:0015356.
Mitochondrial complex II deficiency, nuclear type 1. Also called: SUCCINATE CoQ REDUCTASE DEFICIENCY. Identifiers: Orphanet 3208, MedGen C5700310, MONDO:0100294, OMIM 252011.
Dilated cardiomyopathy 1GG (CMD1GG). Identifiers: Orphanet 154, MedGen C3150898, MONDO:0013339, OMIM 613642.
Neurodegeneration with ataxia and late-onset optic atrophy. Identifiers: MedGen C5543254, MONDO:0031006, OMIM 619259.
Pheochromocytoma/paraganglioma syndrome 5. Also called: Paragangliomas 5; SDHA-Related Hereditary Paraganglioma-Pheochromocytoma Syndrome. Identifiers: Orphanet 29072, MedGen C3279992, MONDO:0013602, OMIM 614165.
SDHA-related disorder. Also called: SDHA-related condition; SDHA-related disorders.

Allele frequency attached by ClinVar (database versions not stated): gnomAD 0.00001; gnomAD exomes 0.00001 and 0.00002; ExAC 0.00002.
gnomAD v4.1: 20 of 1,613,830 alleles (0.0012%); highest among the groups gnomAD compares: Admixed American, 0.012%; no homozygotes.

Submissions (9):

Labcorp Genetics (formerly Invitae), Labcorp
Classification: Uncertain significance for Pheochromocytoma/paraganglioma syndrome 5; Mitochondrial complex II deficiency, nuclear type 1. Last evaluated: 2025-11-18. Review status: criteria provided, single submitter. Criteria: Invitae Variant Classification Sherloc (09022015). Collection method: clinical testing. Allele origin: germline.
Comment: This sequence change replaces aspartic acid, which is acidic and polar, with glycine, which is neutral and non-polar, at codon 596 of the SDHA protein (p.Asp596Gly). The frequency data for this variant in the population databases is considered unreliable, as metrics indicate poor data quality at this position in the gnomAD database. This missense change has been observed in individual(s) with clinical features of autosomal recessive mitochondrial complex II deficiency (PMID: 29488078). ClinVar contains an entry for this variant (Variation ID: 472358). Invitae Evidence Modeling of protein sequence and biophysical properties (such as structural, functional, and spatial information, amino acid conservation, physicochemical variation, residue mobility, and thermodynamic stability) has been performed for this missense variant. However, the output from this modeling did not meet the statistical confidence thresholds required to predict the impact of this variant on SDHA protein function. In summary, the available evidence is currently insufficient to determine the role of this variant in disease. Therefore, it has been classified as a Variant of Uncertain Significance.

Ambry Genetics
Classification: Uncertain significance for Hereditary cancer-predisposing syndrome. Last evaluated: 2025-07-25. Review status: criteria provided, single submitter. Criteria: Ambry Variant Classification Scheme 2023. Collection method: clinical testing. Allele origin: germline.
Comment: The p.D596G variant (also known as c.1787A>G), located in coding exon 13 of the SDHA gene, results from an A to G substitution at nucleotide position 1787. The aspartic acid at codon 596 is replaced by glycine, an amino acid with similar properties. This amino acid position is highly conserved in available vertebrate species. In addition, this alteration is predicted to be deleterious by in silico analysis. Based on the available evidence, the clinical significance of this variant remains unclear.

Fulgent Genetics
Classification: Uncertain significance for Mitochondrial complex II deficiency, nuclear type 1; Dilated cardiomyopathy 1GG; Pheochromocytoma/paraganglioma syndrome 5; Neurodegeneration with ataxia and late-onset optic atrophy. Last evaluated: 2024-06-12. Review status: criteria provided, single submitter. Criteria: ACMG Guidelines, 2015. Collection method: clinical testing. Allele origin: germline.

Baylor Genetics
Classification: Uncertain significance for Dilated cardiomyopathy 1GG. Last evaluated: 2024-03-19. Review status: criteria provided, single submitter. Criteria: ACMG Guidelines, 2015. Collection method: clinical testing. Allele origin: unknown.

GeneDx
Classification: Uncertain significance. Last evaluated: 2023-10-30. Review status: criteria provided, single submitter. Criteria: GeneDx Variant Classification Process June 2021. Collection method: clinical testing. Allele origin: germline. Affected: yes.
Comment: In silico analysis, which includes protein predictors and evolutionary conservation, supports a deleterious effect; This variant is associated with the following publications: (PMID: 29488078)

Quest Diagnostics Nichols Institute San Juan Capistrano
Classification: Uncertain significance. Last evaluated: 2023-02-08. Review status: criteria provided, single submitter. Criteria: Quest Diagnostics criteria. Collection method: clinical testing. Allele origin: unknown.
Comment: The frequency of this variant in the general population, 0.00017 (6/35422 chromosomes), is uninformative in assessment of its pathogenicity. In the published literature, the variant has been reported in an individual with combined complex II/III deficiency (PMID: 29488078 (2018)). Analysis of this variant using bioinformatics tools for the prediction of the effect of amino acid changes on protein structure and function yielded predictions that this variant is damaging. Based on the available information, we are unable to determine the clinical significance of this variant.

Department of Pathology and Laboratory Medicine, Sinai Health System
Classification: Uncertain significance for Mitochondrial complex II deficiency, nuclear type 1; Dilated cardiomyopathy 1GG; Pheochromocytoma/paraganglioma syndrome 5; Neurodegeneration with ataxia and late-onset optic atrophy. Last evaluated: 2021-07-30. Review status: criteria provided, single submitter. Criteria: ACMG Guidelines, 2015. Collection method: research. Allele origin: germline.

Revvity Omics, Revvity
Classification: Uncertain significance. Last evaluated: 2021-05-11. Review status: criteria provided, single submitter. Criteria: ACMG Guidelines, 2015. Collection method: clinical testing. Allele origin: germline.

PreventionGenetics, part of Exact Sciences
Classification: Uncertain significance for SDHA-related condition. Last evaluated: 2024-08-29. Review status: no assertion criteria provided. Collection method: clinical testing. Allele origin: germline. Not counted in ClinVar's aggregate classification.
Comment: The SDHA c.1787A>G variant is predicted to result in the amino acid substitution p.Asp596Gly. This variant has been reported along with a second variant in an individual with combined complex II/III deficiency (Tan et al. 2018. PubMed ID: 29488078). This variant is reported in 0.017% of alleles in individuals of Latino descent in gnomAD and has an interpretation of uncertain significance in ClinVar. At this time, the clinical significance of this variant is uncertain due to the absence of conclusive functional and genetic evidence.

Literature cited by the submitters: PubMed 29488078 (cited by Labcorp Genetics (formerly Invitae), Labcorp and Quest Diagnostics Nichols Institute San Juan Capistrano).